The following is an entry in ClinVar:

NM_001242.5(CD27):c.546A>T (p.Arg182Ser)

Genes: CD27 (CD27 molecule; plus strand), CD27-AS1 (CD27 antisense RNA 1; minus strand), LOC130007242 (ATAC-STARR-seq lymphoblastoid active region 5859; plus strand). Cytogenetic location: 12p13.31.
Variant type: single nucleotide variant.
Coding change: c.546A>T on transcript NM_001242.5 (MANE Select); coding-DNA position 546, A replaced by T.
Protein change: p.Arg182Ser; replaces arginine 182 with serine.
Molecular consequence: missense variant. On other transcripts: non-coding transcript variant (1).
Genome position (GRCh38, 1-based): chr12:6,450,902, A>T. VCF-style: chr12-6450902-A-T. GRCh37 (hg19) VCF-style: chr12-6560068-A-T.
Other names: short protein forms R182S.
Identifiers: ClinVar variation 663562 (VCV000663562.8), dbSNP rs746393687, ClinGen allele CA6407036.
Genomic context (GRCh38, chr12:6,450,902, plus strand): 5'-GGAGCCAAGGGCTAGACCCTCCCCTAACCCCTGTGTGTCCCCTCCTATTACAGCCCAAAG[A>T]TCCCTGTGCAGCTCCGATTTTATTCGCATCCTTGTGATCTTCTCTGGAATGTTCCTTGTT-3'
Protein context (NP_001233.2, residues 172-192): RTLSTHWPPQ[Arg182Ser]SLCSSDFIRI

ClinVar aggregate classification (germline): Uncertain significance. Review status: criteria provided, multiple submitters, no conflicts (2 of 4 stars). 2 submissions from 2 submitters: Uncertain significance (2). Last evaluated 2025-02-20.

Conditions:
Lymphoproliferative syndrome 2 (LPFS2). Also called: Combined immunodeficiency due to CD27 deficiency; CD27 DEFICIENCY. Identifiers: Orphanet 238505, MedGen C3554540, MONDO:0014054, OMIM 615122.
Inborn genetic diseases. Identifiers: MedGen C0950123, MeSH D030342.

Allele frequency attached by ClinVar (database versions not stated): gnomAD exomes below 0.00001 and 0.00001; ExAC 0.00001; TOPMed 0.00005; gnomAD 0.00007.

Submissions (2):

Ambry Genetics
Classification: Uncertain significance for Inborn genetic diseases. Last evaluated: 2025-02-20. Review status: criteria provided, single submitter. Criteria: Ambry Variant Classification Scheme 2023. Collection method: clinical testing. Allele origin: germline.

Labcorp Genetics (formerly Invitae), Labcorp
Classification: Uncertain significance for Lymphoproliferative syndrome 2. Last evaluated: 2024-07-12. Review status: criteria provided, single submitter. Criteria: Invitae Variant Classification Sherloc (09022015). Collection method: clinical testing. Allele origin: germline.
Comment: This sequence change replaces arginine, which is basic and polar, with serine, which is neutral and polar, at codon 182 of the CD27 protein (p.Arg182Ser). This variant is present in population databases (rs746393687, gnomAD 0.01%). This variant has not been reported in the literature in individuals affected with CD27-related conditions. ClinVar contains an entry for this variant (Variation ID: 663562). Advanced modeling of protein sequence and biophysical properties (such as structural, functional, and spatial information, amino acid conservation, physicochemical variation, residue mobility, and thermodynamic stability) performed at Invitae indicates that this missense variant is not expected to disrupt CD27 protein function with a negative predictive value of 80%. In summary, the available evidence is currently insufficient to determine the role of this variant in disease. Therefore, it has been classified as a Variant of Uncertain Significance.